The following is an entry in ClinVar:

ClinVar aggregate classification (germline): Likely benign. Review status: criteria provided, multiple submitters, no conflicts (2 of 4 stars). 2 submissions from 2 submitters: Likely benign (2). Last evaluated 2024-11-13.

Conditions:
Renal cell carcinoma. Identifiers: Orphanet 217071, MedGen C0007134, MeSH D002292, MONDO:0005086, HP:0005584.
Papillary renal cell carcinoma type 1 (RCCP1). Also called: RENAL CELL CARCINOMA, PAPILLARY, 1, SOMATIC; Renal adenocarcinoma; Renal cell carcinoma 1; Renal cell carcinoma, somatic. Identifiers: Orphanet 47044, MedGen C1336839, OMIM 605074, HP:0011797.

Allele frequency attached by ClinVar (database versions not stated): TOPMed below 0.00001; gnomAD 0.00001.
gnomAD v4.1: 1 of 1,613,660 alleles (0.000062%); highest among the groups gnomAD compares: African/African-American, 0.0013%; no homozygotes.

Submissions (2):

Myriad Genetics, Inc.
Classification: Likely benign for Papillary renal cell carcinoma type 1. Last evaluated: 2024-11-13. Review status: criteria provided, single submitter. Criteria: Myriad Autosomal Dominant, Autosomal Recessive and X-Linked Classification Criteria (2023). Collection method: clinical testing. Allele origin: unknown.
Comment: This variant is considered likely benign. This variant is intronic and is not expected to impact mRNA splicing.

Labcorp Genetics (formerly Invitae), Labcorp
Classification: Likely benign for Renal cell carcinoma. Last evaluated: 2024-10-29. Review status: criteria provided, single submitter. Criteria: Invitae Variant Classification Sherloc (09022015). Collection method: clinical testing. Allele origin: germline.

NM_000245.4(MET):c.3341-12T>C

Gene: MET (MET proto-oncogene, receptor tyrosine kinase; plus strand). Cytogenetic location: 7q31.2.
Variant type: single nucleotide variant.
Coding change: c.3341-12T>C on transcript NM_000245.4 (MANE Select); 12 bases into the intron before coding-DNA position 3341, T replaced by C.
Molecular consequence: intron variant.
Genome position (GRCh38, 1-based): chr7:116,778,764, T>C. VCF-style: chr7-116778764-T-C. GRCh37 (hg19) VCF-style: chr7-116418818-T-C.
Other names: c.3395-12T>C (NM_001127500.3); c.2051-12T>C (NM_001324402.2).
Identifiers: ClinVar variation 1624264 (VCV001624264.9), dbSNP rs1235902821, ClinGen allele CA577680697.